The following is an entry in ClinVar:

ClinVar aggregate classification (germline): Uncertain significance (1 of 4 stars; one submission).

Conditions:
Macular degeneration, early-onset (EOMD). Identifiers: MedGen C4015286, MONDO:0014501, OMIM 616118.

Submission:

3billion
Classification: Uncertain significance for Macular degeneration, early-onset. Last evaluated: 2024-11-13. Review status: criteria provided, single submitter. Criteria: ACMG Guidelines, 2015. Collection method: clinical testing. Allele origin: germline. Affected: yes.
Comment: The variant is not observed in the gnomAD v4.1.0 dataset. Predicted Consequence/Location: The variant is located in a mutational hot spot and/or well-established functional domain in which established pathogenic variants have been reported (PMID: 35360850, 17345643). A different missense change at the same codon (p.Met1247Thr) has been reported to be associated with FBN2 related disorder (ClinVar ID: VCV000161446 /PMID: 24899048). Therefore, this variant is classified as VUS according to the recommendation of ACMG/AMP guideline.

Literature cited by the submitters: PubMed 24899048.

NM_001999.4(FBN2):c.3739A>G (p.Met1247Val)

Gene: FBN2 (fibrillin 2; minus strand). Cytogenetic location: 5q23.3.
Variant type: single nucleotide variant.
Coding change: c.3739A>G on transcript NM_001999.4 (MANE Select); coding-DNA position 3739, A replaced by G.
Protein change: p.Met1247Val; replaces methionine 1247 with valine.
Molecular consequence: missense variant.
Genome position (GRCh38, 1-based): chr5:128,335,563, T>C on the plus strand (A>G on the coding strand, the complement: FBN2 is on the minus strand). VCF-style: chr5-128335563-T-C. GRCh37 (hg19) VCF-style: chr5-127671255-T-C.
Other names: short protein forms M1247V.
Identifiers: ClinVar variation 4292959 (VCV004292959.1).